The following is an entry in ClinVar:

NM_012330.4(KAT6B):c.683A>G (p.Glu228Gly)

Gene: KAT6B (lysine acetyltransferase 6B; plus strand). Cytogenetic location: 10q22.2.
Variant type: single nucleotide variant.
Coding change: c.683A>G on transcript NM_012330.4 (MANE Select); coding-DNA position 683, A replaced by G.
Protein change: p.Glu228Gly; replaces glutamic acid 228 with glycine.
Molecular consequence: missense variant.
Genome position (GRCh38, 1-based): chr10:74,960,031, A>G. VCF-style: chr10-74960031-A-G. GRCh37 (hg19) VCF-style: chr10-76719789-A-G.
Other names: c.683A>G, p.Glu228Gly (NM_001256468.2, NM_001256469.2, NM_001370132.1 and 10 more transcripts); c.145A>G, p.Lys49Glu (NM_001370134.1, NM_001370135.1); short protein forms K49E, E228G.
Identifiers: ClinVar variation 3663491 (VCV003663491.2).

ClinVar aggregate classification (germline): Uncertain significance (1 of 4 stars; one submission).

Conditions:
Genitopatellar syndrome (GTPTS). Also called: ABSENT PATELLAE, SCROTAL HYPOPLASIA, RENAL ANOMALIES, FACIAL DYSMORPHISM, AND MENTAL RETARDATION; Genitopatellar syndrome (GPS). Identifiers: Orphanet 85201, MedGen C1853566, MONDO:0011640, OMIM 606170.

Submission:

Labcorp Genetics (formerly Invitae), Labcorp
Classification: Uncertain significance for Genitopatellar syndrome. Last evaluated: 2024-08-27. Review status: criteria provided, single submitter. Criteria: Invitae Variant Classification Sherloc (09022015). Collection method: clinical testing. Allele origin: germline.
Comment: This sequence change replaces glutamic acid, which is acidic and polar, with glycine, which is neutral and non-polar, at codon 228 of the KAT6B protein (p.Glu228Gly). This variant is not present in population databases (gnomAD no frequency). This variant has not been reported in the literature in individuals affected with KAT6B-related conditions. Invitae Evidence Modeling of protein sequence and biophysical properties (such as structural, functional, and spatial information, amino acid conservation, physicochemical variation, residue mobility, and thermodynamic stability) indicates that this missense variant is not expected to disrupt KAT6B protein function with a negative predictive value of 80%. In summary, the available evidence is currently insufficient to determine the role of this variant in disease. Therefore, it has been classified as a Variant of Uncertain Significance.